The following is an entry in ClinVar:

ClinVar aggregate classification (germline): Pathogenic (1 of 4 stars; one submission).

Conditions:
Ehlers-Danlos syndrome, classic type, 1 (EDSCL1). Also called: EHLERS-DANLOS SYNDROME, GRAVIS TYPE; EHLERS-DANLOS SYNDROME, SEVERE CLASSIC TYPE; Ehlers-Danlos syndrome, type 1; EDS I; Ehlers-Danlos Syndrome, Classic Type, COL5A1-Related. Identifiers: MedGen C0268335, MONDO:0019567, OMIM 130000.

Submission:

Labcorp Genetics (formerly Invitae), Labcorp
Classification: Pathogenic for Ehlers-Danlos syndrome, classic type, 1. Last evaluated: 2022-09-13. Review status: criteria provided, single submitter. Criteria: Invitae Variant Classification Sherloc (09022015). Collection method: clinical testing. Allele origin: germline.
Comment: This sequence change creates a premature translational stop signal (p.Arg356*) in the COL5A2 gene. It is expected to result in an absent or disrupted protein product. Loss-of-function variants in COL5A2 are known to be pathogenic (PMID: 23587214). This variant is not present in population databases (gnomAD no frequency). This variant has not been reported in the literature in individuals affected with COL5A2-related conditions. For these reasons, this variant has been classified as Pathogenic.

Literature cited by the submitters: PubMed 23587214.

NM_000393.5(COL5A2):c.1066C>T (p.Arg356Ter)

Gene: COL5A2 (collagen type V alpha 2 chain; minus strand). Cytogenetic location: 2q32.2.
Variant type: single nucleotide variant.
Coding change: c.1066C>T on transcript NM_000393.5 (MANE Select); coding-DNA position 1066, C replaced by T.
Protein change: p.Arg356Ter; replaces arginine 356 with a stop codon.
Molecular consequence: nonsense.
Genome position (GRCh38, 1-based): chr2:189,075,431, G>A on the plus strand (C>T on the coding strand, the complement: COL5A2 is on the minus strand). VCF-style: chr2-189075431-G-A. GRCh37 (hg19) VCF-style: chr2-189940157-G-A.
Other names: short protein forms R356*.
Identifiers: ClinVar variation 2003068 (VCV002003068.4), dbSNP rs1686383386, ClinGen allele CA349855385.
Genomic context (GRCh38, chr2:189,075,431, plus strand): 5'-ATATGAAAATAATATAACTCACCATTGGTCCAGGTTTTCCAGGCATACCATGTGCACCTC[G>A]TTGTCCCTAATTAAGAGAAAAAGAGACAAGACAGGATAAGATTACATTTTAGACTATATT-3'